The following is an entry in ClinVar:

ClinVar aggregate classification (germline): Pathogenic (1 of 4 stars; one submission).

Submission:

Labcorp Genetics (formerly Invitae), Labcorp
Classification: Pathogenic. Last evaluated: 2025-08-12. Review status: criteria provided, single submitter. Criteria: Invitae Variant Classification Sherloc (09022015). Collection method: clinical testing. Allele origin: germline.
Comment: This sequence change creates a premature translational stop signal (p.Arg19Profs*104) in the CDT1 gene. It is expected to result in an absent or disrupted protein product. Loss-of-function variants in CDT1 are known to be pathogenic (PMID: 21358632, 22333897). The frequency data for this variant in the population databases is considered unreliable, as metrics indicate poor data quality at this position in the gnomAD database. This variant has not been reported in the literature in individuals affected with CDT1-related conditions. For these reasons, this variant has been classified as Pathogenic.

Literature cited by the submitters: PubMed 21358632; PubMed 22333897.

NM_030928.4(CDT1):c.55dup (p.Arg19fs)

Genes: CDT1 (chromatin licensing and DNA replication factor 1; plus strand), LOC130059759 (ATAC-STARR-seq lymphoblastoid silent region 7878; plus strand). Cytogenetic location: 16q24.3.
Variant type: Duplication.
Coding change: c.55dup on transcript NM_030928.4 (MANE Select); coding-DNA position 55, one base duplicated (C; older notation c.55dupC).
Protein change: p.Arg19fs; shifts the reading frame from arginine 19.
Molecular consequence: frameshift variant.
Genome position (GRCh38, 1-based): chr16:88,803,886, C duplicated; the last of 7 consecutive C bases (chr16:88,803,880-88,803,886); duplicating any one gives the same sequence. VCF-style (leftmost placement, unchanged base first): chr16-88803879-G-GC. GRCh37 (hg19) VCF-style: chr16-88870287-G-GC.
Other names: short protein forms R19fs.
Identifiers: ClinVar variation 4693314 (VCV004693314.1).